The following is an entry in ClinVar:

ClinVar aggregate classification (germline): Likely benign (1 of 4 stars; one submission).

gnomAD v4.1: 22 of 1,613,388 alleles (0.0014%); highest among the groups gnomAD compares: Middle Eastern, 0.016%; no homozygotes.

Submission:

CeGaT Center for Human Genetics Tuebingen
Classification: Likely benign. Last evaluated: 2025-06-01. Review status: criteria provided, single submitter. Criteria: CeGaT Center For Human Genetics Tuebingen Variant Classification Criteria Version 2. Collection method: clinical testing. Allele origin: germline. Affected: yes. Observed: 1 variant allele.
Comment: FNTB: BP4, BP7

NM_002028.4(FNTB):c.1146G>A (p.Leu382=)

Genes: CHURC1-FNTB (CHURC1-FNTB readthrough; plus strand), FNTB (farnesyltransferase, CAAX box, subunit beta; plus strand), MAX (MYC associated transcriptional regulator X; minus strand). Cytogenetic location: 14q23.3.
Variant type: single nucleotide variant.
Coding change: c.1146G>A on transcript NM_002028.4 (MANE Select); coding-DNA position 1146, G replaced by A.
Protein change: p.Leu382=; no amino-acid change (leucine 382 retained).
Molecular consequence: synonymous variant. On other transcripts: intron variant (2).
Genome position (GRCh38, 1-based): chr14:65,054,653, G>A. VCF-style: chr14-65054653-G-A. GRCh37 (hg19) VCF-style: chr14-65521371-G-A.
Other names: c.1008G>A, p.Leu336= (NM_001202558.2); c.1329G>A, p.Leu443= (NM_001202559.1); c.144+39055C>T (NM_001271069.2); c.171+39055C>T (NM_197957.4).
Identifiers: ClinVar variation 4084051 (VCV004084051.8).